The following is an entry in ClinVar:

ClinVar aggregate classification (germline): Uncertain significance (1 of 4 stars; one submission).

Conditions:
Intellectual disability, CASK-related, X-linked. Identifiers: MedGen CN043158.

Submission:

Labcorp Genetics (formerly Invitae), Labcorp
Classification: Uncertain significance for Intellectual disability, CASK-related, X-linked. Last evaluated: 2024-11-11. Review status: criteria provided, single submitter. Criteria: Invitae Variant Classification Sherloc (09022015). Collection method: clinical testing. Allele origin: germline.
Comment: This sequence change replaces aspartic acid, which is acidic and polar, with glutamic acid, which is acidic and polar, at codon 789 of the CASK protein (p.Asp789Glu). This variant is not present in population databases (gnomAD no frequency). This variant has not been reported in the literature in individuals affected with CASK-related conditions. ClinVar contains an entry for this variant (Variation ID: 1480144). Invitae Evidence Modeling of protein sequence and biophysical properties (such as structural, functional, and spatial information, amino acid conservation, physicochemical variation, residue mobility, and thermodynamic stability) indicates that this missense variant is not expected to disrupt CASK protein function with a negative predictive value of 80%. In summary, the available evidence is currently insufficient to determine the role of this variant in disease. Therefore, it has been classified as a Variant of Uncertain Significance.

NM_001367721.1(CASK):c.2382C>G (p.Asp794Glu)

Gene: CASK (calcium/calmodulin dependent serine protein kinase; minus strand). Cytogenetic location: Xp11.4.
Variant type: single nucleotide variant.
Coding change: c.2382C>G on transcript NM_001367721.1 (MANE Select); coding-DNA position 2382, C replaced by G.
Protein change: p.Asp794Glu; replaces aspartic acid 794 with glutamic acid.
Molecular consequence: missense variant.
Genome position (GRCh38, 1-based): chrX:41,531,145, G>C on the plus strand (C>G on the coding strand, the complement: CASK is on the minus strand). VCF-style: chrX-41531145-G-C. GRCh37 (hg19) VCF-style: chrX-41390398-G-C.
Other names: c.2298C>G, p.Asp766Glu (NM_001126054.3); c.2295C>G, p.Asp765Glu (NM_001126055.3); c.2364C>G, p.Asp788Glu (NM_001410745.1); c.2367C>G, p.Asp789Glu (NM_003688.4); short protein forms D766E, D765E, D789E, D794E, D788E.
Identifiers: ClinVar variation 1480144 (VCV001480144.6), dbSNP rs1348397781, ClinGen allele CA412990434.